The following is an entry in ClinVar:

ClinVar aggregate classification (germline): Likely benign (1 of 4 stars; one submission).

Allele frequency attached by ClinVar (database versions not stated): gnomAD 0.00001; gnomAD exomes 0.00001; TOPMed 0.00001.

Submission:

CeGaT Center for Human Genetics Tuebingen
Classification: Likely benign. Last evaluated: 2023-02-01. Review status: criteria provided, single submitter. Criteria: CeGaT Center For Human Genetics Tuebingen Variant Classification Criteria Version 2. Collection method: clinical testing. Allele origin: germline. Affected: yes. Observed: 1 variant allele.
Comment: MUC16: BP4, BP7

NM_001401501.2(MUC16):c.8379G>A (p.Ala2793=)

Gene: MUC16 (mucin 16, cell surface associated; minus strand). Cytogenetic location: 19p13.2.
Variant type: single nucleotide variant.
Coding change: c.8379G>A on transcript NM_001401501.2 (MANE Select); coding-DNA position 8379, G replaced by A.
Protein change: p.Ala2793=; no amino-acid change (alanine 2793 retained).
Molecular consequence: synonymous variant.
Genome position (GRCh38, 1-based): chr19:8,972,880, C>T on the plus strand (G>A on the coding strand, the complement: MUC16 is on the minus strand). VCF-style: chr19-8972880-C-T. GRCh37 (hg19) VCF-style: chr19-9083556-C-T.
Other names: c.8805G>A, p.Ala2935= (NM_001414686.1); c.8259G>A, p.Ala2753= (NM_001414687.1, NM_024690.2).
Identifiers: ClinVar variation 2649265 (VCV002649265.24), dbSNP rs1474332815, ClinGen allele CA505426851.
Genomic context (GRCh38, chr19:8,972,880, plus strand): 5'-CAAAGCCGTTGTCTCTGAGTTTTCAGAACTCTGACTGAATACAAGGGAACCAGTAGTTCC[C>T]GCAGGCAAAGTAGAAAGTGCCACTGTGATCGAACCTTCATAGGTTGTATTCCGTGGAGCA-3'
Protein context (NP_001388430.1, residues 2783-2803): SITVALSTLP[Ala2793=]GTTGSLVFSQ